The following is an entry in ClinVar:

ClinVar aggregate classification (germline): Pathogenic (1 of 4 stars; one submission).

Conditions:
Early-infantile DEE. Also called: Early infantile epileptic encephalopathy; Ohtahara syndrome; Early infantile epileptic encephalopathy with suppression bursts. Identifiers: Orphanet 1934, MedGen C0393706, MONDO:0800491.

Submission:

Labcorp Genetics (formerly Invitae), Labcorp
Classification: Pathogenic for Early-infantile DEE. Last evaluated: 2022-03-19. Review status: criteria provided, single submitter. Criteria: Invitae Variant Classification Sherloc (09022015). Collection method: clinical testing. Allele origin: germline.
Comment: Algorithms developed to predict the effect of sequence changes on RNA splicing suggest that this variant may create or strengthen a splice site. This sequence change replaces glycine, which is neutral and non-polar, with valine, which is neutral and non-polar, at codon 256 of the KCNQ2 protein (p.Gly256Val). This variant is not present in population databases (gnomAD no frequency). This missense change has been observed in individual(s) with clinical features of KCNQ2-related disease (Invitae). In at least one individual the variant was observed to be de novo. ClinVar contains an entry for this variant (Variation ID: 945463). Algorithms developed to predict the effect of missense changes on protein structure and function (SIFT, PolyPhen-2, Align-GVGD) all suggest that this variant is likely to be tolerated. This variant disrupts the p.Gly256 amino acid residue in KCNQ2. Other variant(s) that disrupt this residue have been observed in individuals with KCNQ2-related conditions (PMID: 27602407, 27781031), which suggests that this may be a clinically significant amino acid residue. For these reasons, this variant has been classified as Pathogenic.

Literature cited by the submitters: PubMed 27602407; PubMed 27781031.

NM_172107.4(KCNQ2):c.767G>T (p.Gly256Val)

Gene: KCNQ2 (potassium voltage-gated channel subfamily Q member 2; minus strand). Cytogenetic location: 20q13.33.
Variant type: single nucleotide variant.
Coding change: c.767G>T on transcript NM_172107.4 (MANE Select); coding-DNA position 767, G replaced by T.
Protein change: p.Gly256Val; replaces glycine 256 with valine.
Molecular consequence: missense variant.
Genome position (GRCh38, 1-based): chr20:63,442,455, C>A on the plus strand (G>T on the coding strand, the complement: KCNQ2 is on the minus strand). VCF-style: chr20-63442455-C-A. GRCh37 (hg19) VCF-style: chr20-62073808-C-A.
Other names: c.767G>T, p.Gly256Val (NM_001382235.1, NM_004518.6, NM_172106.3 and 2 more transcripts); short protein forms G256V.
Identifiers: ClinVar variation 945463 (VCV000945463.10), dbSNP rs1371722284, ClinGen allele CA409653487.
Genomic context (GRCh38, chr20:63,442,455, plus strand): 5'-CCACAACTCACCAGGCCCCACCAGAGTGCATCCGCGTAGGTGTCAAAGTGGTCGTTCTCC[C>A]CCTTCTCTGCCAAGTACACCAGGAACGAGGCCAGGATGAGACAAAGGAAGCCGATGTACC-3'
Protein context (NP_742105.1, residues 246-266): ASFLVYLAEK[Gly256Val]ENDHFDTYAD